The following is an entry in ClinVar:

NM_006901.4(MYO9A):c.4555C>T (p.Gln1519Ter)

Gene: MYO9A (myosin IXA; minus strand). Cytogenetic location: 15q23.
Variant type: single nucleotide variant.
Coding change: c.4555C>T on transcript NM_006901.4 (MANE Select); coding-DNA position 4555, C replaced by T.
Protein change: p.Gln1519Ter; replaces glutamine 1519 with a stop codon.
Molecular consequence: nonsense.
Genome position (GRCh38, 1-based): chr15:71,897,948, G>A on the plus strand (C>T on the coding strand, the complement: MYO9A is on the minus strand). VCF-style: chr15-71897948-G-A. GRCh37 (hg19) VCF-style: chr15-72190289-G-A.
Other names: short protein forms Q1519*.
Identifiers: ClinVar variation 5005454 (VCV005005454.2).

ClinVar aggregate classification (germline): Uncertain significance (1 of 4 stars; one submission).

Conditions:
Myasthenic syndrome, congenital, 24, presynaptic. Identifiers: MedGen C4748684, MONDO:0032597, OMIM 618198.

Submission:

Juno Genomics, Hangzhou Juno Genomics, Inc
Classification: Uncertain significance for Myasthenic syndrome, congenital, 24, presynaptic. Review status: criteria provided, single submitter. Criteria: ACMG Guidelines, 2015. Collection method: clinical testing. Allele origin: germline.
Comment: Absent from controls (or at extremely low frequency if recessive) in Genome Aggregation Database.